The following is an entry in ClinVar:

NM_016169.4(SUFU):c.433G>T (p.Ala145Ser)

Gene: SUFU (SUFU negative regulator of hedgehog signaling; plus strand). Cytogenetic location: 10q24.32.
Variant type: single nucleotide variant.
Coding change: c.433G>T on transcript NM_016169.4 (MANE Select); coding-DNA position 433, G replaced by T.
Protein change: p.Ala145Ser; replaces alanine 145 with serine.
Molecular consequence: missense variant.
Genome position (GRCh38, 1-based): chr10:102,550,085, G>T. VCF-style: chr10-102550085-G-T. GRCh37 (hg19) VCF-style: chr10-104309842-G-T.
Other names: c.433G>T, p.Ala145Ser (NM_001178133.2); short protein forms A145S.
Identifiers: ClinVar variation 4177556 (VCV004177556.1).

ClinVar aggregate classification (germline): Uncertain significance (1 of 4 stars; one submission).

Conditions:
Hereditary cancer-predisposing syndrome. Also called: Neoplastic Syndromes, Hereditary; Tumor predisposition; Hereditary Cancer Syndrome; Hereditary neoplastic syndrome. Identifiers: Orphanet 140162, MedGen C0027672, MeSH D009386, MONDO:0015356.

gnomAD v4.1: 1 of 1,614,202 alleles (0.000062%); highest among the groups gnomAD compares: Admixed American, 0.0017%; no homozygotes.

Submission:

Ambry Genetics
Classification: Uncertain significance for Hereditary cancer-predisposing syndrome. Last evaluated: 2025-08-28. Review status: criteria provided, single submitter. Criteria: Ambry Variant Classification Scheme 2023. Collection method: clinical testing. Allele origin: germline.
Comment: The p.A145S variant (also known as c.433G>T), located in coding exon 3 of the SUFU gene, results from a G to T substitution at nucleotide position 433. The alanine at codon 145 is replaced by serine, an amino acid with similar properties. This amino acid position is conserved. In addition, the in silico prediction for this alteration is inconclusive. Based on the available evidence, the clinical significance of this variant remains unclear.